The following is an entry in ClinVar:

ClinVar aggregate classification (germline): Pathogenic (1 of 4 stars; one submission).

Conditions:
Primary ciliary dyskinesia. Also called: Ciliary dyskinesia. Identifiers: Orphanet 244, MedGen C0008780, MONDO:0016575, HP:0012265.

Submission:

Labcorp Genetics (formerly Invitae), Labcorp
Classification: Pathogenic for Primary ciliary dyskinesia. Last evaluated: 2025-11-20. Review status: criteria provided, single submitter. Criteria: Invitae Variant Classification Sherloc (09022015). Collection method: clinical testing. Allele origin: germline.
Comment: This variant results in the deletion of part of exon 48 (c.7907_7914+646del) of the DNAH11 gene. It is expected to disrupt RNA splicing. Variants that disrupt the donor or acceptor splice site typically lead to a loss of protein function (PMID: 16199547), and loss-of-function variants in DNAH11 are known to be pathogenic (PMID: 18022865, 20513915, 22184204). This variant is not present in population databases (gnomAD no frequency). This variant has been observed in individual(s) with primary ciliary dyskinesia (internal data). ClinVar contains an entry for this variant (Variation ID: 655837). For these reasons, this variant has been classified as Pathogenic.

Literature cited by the submitters: PubMed 16199547; PubMed 18022865; PubMed 20513915; PubMed 22184204.

NM_001277115.2(DNAH11):c.7907_7914+646del

Gene: DNAH11 (dynein axonemal heavy chain 11; plus strand). Cytogenetic location: 7p15.3.
Variant type: Deletion.
Coding change: c.7907_7914+646del on transcript NM_001277115.2 (MANE Select); coding-DNA position 7907 through 646 bases into the intron after coding-DNA position 7914, 654 bases deleted.
Molecular consequence: splice donor variant.
Genome position (GRCh38, 1-based): chr7:21,739,666-21,740,319, 654 bases deleted. GRCh37 (hg19): chr7:21,779,284-21,779,937.
Identifiers: ClinVar variation 655837 (VCV000655837.2), dbSNP rs1583647043, ClinGen allele CA915944894.